The following is an entry in ClinVar:

NM_152743.4(BRAT1):c.*12G>C

Gene: BRAT1 (BRCA1 associated ATM activator 1; minus strand). Cytogenetic location: 7p22.3.
Variant type: single nucleotide variant.
Coding change: c.*12G>C on transcript NM_152743.4 (MANE Select); 12 bases downstream of the stop codon, G replaced by C.
Molecular consequence: 3 prime UTR variant. On other transcripts: non-coding transcript variant (1).
Genome position (GRCh38, 1-based): chr7:2,538,057, C>G on the plus strand (G>C on the coding strand, the complement: BRAT1 is on the minus strand). VCF-style: chr7-2538057-C-G. GRCh37 (hg19) VCF-style: chr7-2577691-C-G.
Other names: c.*12G>C (NM_001350626.2, NM_001350627.2).
Identifiers: ClinVar variation 1253787 (VCV001253787.5), dbSNP rs1043294, ClinGen allele CA4127351.

ClinVar aggregate classification (germline): Benign. Review status: criteria provided, multiple submitters, no conflicts (2 of 4 stars). 3 submissions from 3 submitters: Benign (3). Last evaluated 2024-11-27.

Allele frequency attached by ClinVar (database versions not stated): 1000 Genomes Project 0.06869; 1000 Genomes Project 30x 0.07089; ESP Exome Variant Server 0.10883; TOPMed 0.11518; gnomAD 0.12179 and 0.12370; gnomAD exomes 0.13740; ExAC 0.14520.
gnomAD v4.1: 236,165 of 1,539,028 alleles (15%); highest among the groups gnomAD compares: Admixed American, 18%; 20,015 homozygotes.

Submissions (3):

Blueprint Genetics
Classification: Benign. Last evaluated: 2024-11-27. Review status: criteria provided, single submitter. Criteria: ACMG Guidelines, 2015. Collection method: clinical testing. Allele origin: germline.

Unidad de Genómica Garrahan, Hospital de Pediatría Garrahan
Classification: Benign. Last evaluated: 2024-07-15. Review status: criteria provided, single submitter. Criteria: ACMG Guidelines, 2015. Collection method: clinical testing. Allele origin: germline. Affected: no. Observed: 21 variant alleles.
Comment: This variant is classified as Benign based on local population frequency. This variant was detected in 23% of patients studied in a panel designed for Epileptic and Developmental Encephalopathy and Progressive Myoclonus Epilepsy. Number of patients: 21. Only high quality variants are reported.

GeneDx
Classification: Benign. Last evaluated: 2018-07-15. Review status: criteria provided, single submitter. Criteria: GeneDx Variant Classification Process June 2021. Collection method: clinical testing. Allele origin: germline. Affected: yes.